The following is an entry in ClinVar:

ClinVar aggregate classification (germline): Benign/Likely benign. Review status: criteria provided, multiple submitters, no conflicts (2 of 4 stars). 2 submissions from 2 submitters: Benign (1); Likely benign (1). Last evaluated 2026-09-18.

Conditions:
Colorectal cancer, hereditary nonpolyposis, type 7. Identifiers: Orphanet 144, MedGen C1858380, MONDO:0013725, OMIM 614385.

Allele frequency attached by ClinVar (database versions not stated): gnomAD 0.00001; ExAC 0.00001.
gnomAD v4.1: 3 of 1,613,974 alleles (0.00019%); highest among the groups gnomAD compares: Non-Finnish European, 0.00025%; no homozygotes.

Submissions (2):

Myriad Genetics, Inc.
Classification: Benign for Colorectal cancer, hereditary nonpolyposis, type 7. Last evaluated: 2026-09-18. Review status: criteria provided, single submitter. Criteria: Myriad Autosomal Dominant, Autosomal Recessive and X-Linked Classification Criteria (2023). Collection method: clinical testing. Allele origin: unknown.
Comment: This variant is considered benign. This variant is a silent/synonymous amino acid change and it is not expected to impact splicing.

Ambry Genetics
Classification: Likely benign. Last evaluated: 2024-03-14. Review status: criteria provided, single submitter. Criteria: Ambry Variant Classification Scheme 2023. Collection method: clinical testing. Allele origin: germline.

NM_001040108.2(MLH3):c.2265G>A (p.Glu755=)

Gene: MLH3 (mutL homolog 3; minus strand). Cytogenetic location: 14q24.3.
Variant type: single nucleotide variant.
Coding change: c.2265G>A on transcript NM_001040108.2 (MANE Select); coding-DNA position 2265, G replaced by A.
Protein change: p.Glu755=; no amino-acid change (glutamic acid 755 retained).
Molecular consequence: synonymous variant.
Genome position (GRCh38, 1-based): chr14:75,047,391, C>T on the plus strand (G>A on the coding strand, the complement: MLH3 is on the minus strand). VCF-style: chr14-75047391-C-T. GRCh37 (hg19) VCF-style: chr14-75514094-C-T.
Other names: c.2265G>A, p.Glu755= (NM_014381.3).
Identifiers: ClinVar variation 3232477 (VCV003232477.2), dbSNP rs774928219, ClinGen allele CA7275725.